The following is an entry in ClinVar:

NM_003036.4(SKI):c.81C>G (p.Ser27Arg)

Gene: SKI (SKI proto-oncogene; plus strand). Cytogenetic location: 1p36.33.
Variant type: single nucleotide variant.
Coding change: c.81C>G on transcript NM_003036.4 (MANE Select); coding-DNA position 81, C replaced by G.
Protein change: p.Ser27Arg; replaces serine 27 with arginine.
Molecular consequence: missense variant.
Genome position (GRCh38, 1-based): chr1:2,228,847, C>G. VCF-style: chr1-2228847-C-G. GRCh37 (hg19) VCF-style: chr1-2160286-C-G.
Other names: short protein forms S27R.
Identifiers: ClinVar variation 3368771 (VCV003368771.2).

ClinVar aggregate classification (germline): Pathogenic/Likely pathogenic. Review status: criteria provided, multiple submitters, no conflicts (2 of 4 stars). 2 submissions from 2 submitters: Pathogenic (1); Likely pathogenic (1). Last evaluated 2025-12-27.

Conditions:
SKI-related disorder. Also called: SKI-related condition.

Submissions (2):

GeneDx
Classification: Pathogenic. Last evaluated: 2025-12-27. Review status: criteria provided, single submitter. Criteria: GeneDx Variant Classification Process June 2021. Collection method: clinical testing. Allele origin: germline.
Comment: Has not been previously published as pathogenic or benign to our knowledge; Not observed at significant frequency in large population cohorts (gnomAD); In silico analysis supports that this missense variant has a deleterious effect on protein structure/function

Blueprint Genetics
Classification: Likely pathogenic for SKI-related disorders. Last evaluated: 2024-09-06. Review status: criteria provided, single submitter. Criteria: ACMG Guidelines, 2015. Collection method: clinical testing. Allele origin: de novo. Affected: yes. Observed: 1 variant allele.